The following is an entry in ClinVar:

ClinVar aggregate classification (germline): Uncertain significance. Review status: criteria provided, multiple submitters, no conflicts (2 of 4 stars). 2 submissions from 2 submitters: Uncertain significance (2). Last evaluated 2025-04-27.

Conditions:
Early-infantile DEE. Also called: Early infantile epileptic encephalopathy; Ohtahara syndrome; Early infantile epileptic encephalopathy with suppression bursts. Identifiers: Orphanet 1934, MedGen C0393706, MONDO:0800491.
Inborn genetic diseases. Identifiers: MedGen C0950123, MeSH D030342.

gnomAD v4.1: 1 of 1,613,924 alleles (0.000062%); highest among the groups gnomAD compares: Admixed American, 0.0017%; no homozygotes.

Submissions (2):

Ambry Genetics
Classification: Uncertain significance for Inborn genetic diseases. Last evaluated: 2025-04-27. Review status: criteria provided, single submitter. Criteria: Ambry Variant Classification Scheme 2023. Collection method: clinical testing. Allele origin: germline.

Labcorp Genetics (formerly Invitae), Labcorp
Classification: Uncertain significance for Early-infantile DEE. Last evaluated: 2020-03-05. Review status: criteria provided, single submitter. Criteria: Invitae Variant Classification Sherloc (09022015). Collection method: clinical testing. Allele origin: germline.
Comment: This sequence change replaces proline with threonine at codon 656 of the HCN1 protein (p.Pro656Thr). The proline residue is highly conserved and there is a small physicochemical difference between proline and threonine. In summary, the available evidence is currently insufficient to determine the role of this variant in disease. Therefore, it has been classified as a Variant of Uncertain Significance. Algorithms developed to predict the effect of missense changes on protein structure and function are either unavailable or do not agree on the potential impact of this missense change (SIFT: "Deleterious"; PolyPhen-2: "Benign"; Align-GVGD: "Class C0"). This variant has not been reported in the literature in individuals with HCN1-related conditions. This variant is not present in population databases (ExAC no frequency).

NM_021072.4(HCN1):c.1966C>A (p.Pro656Thr)

Gene: HCN1 (hyperpolarization activated cyclic nucleotide gated potassium channel 1; minus strand). Cytogenetic location: 5p12.
Variant type: single nucleotide variant.
Coding change: c.1966C>A on transcript NM_021072.4 (MANE Select); coding-DNA position 1966, C replaced by A.
Protein change: p.Pro656Thr; replaces proline 656 with threonine.
Molecular consequence: missense variant.
Genome position (GRCh38, 1-based): chr5:45,262,628, G>T on the plus strand (C>A on the coding strand, the complement: HCN1 is on the minus strand). VCF-style: chr5-45262628-G-T. GRCh37 (hg19) VCF-style: chr5-45262730-G-T.
Other names: short protein forms P656T.
Identifiers: ClinVar variation 939613 (VCV000939613.11), dbSNP rs1744773336, ClinGen allele CA359704328.